The following is an entry in ClinVar:

ClinVar aggregate classification (germline): Uncertain significance (1 of 4 stars; one submission).

Submission:

Women's Health and Genetics/Laboratory Corporation of America, LabCorp
Classification: Uncertain significance. Last evaluated: 2026-02-13. Review status: criteria provided, single submitter. Criteria: LabCorp Variant Classification Summary - May 2015. Collection method: clinical testing. Allele origin: germline.
Comment: Variant summary: RORA c.944A>G (p.Gln315Arg) results in a conservative amino acid change in the encoded protein sequence near a canonical splice site. Algorithms developed to predict the effect of missense changes on protein structure and function are either unavailable or do not agree on the potential impact of this missense change. Consensus agreement among computation tools predict no significant impact on normal splicing. However, these predictions have yet to be confirmed by functional studies. The variant was absent in 250622 control chromosomes. The available data on variant occurrences in the general population are insufficient to allow any conclusion about variant significance. To our knowledge, no occurrence of c.944A>G in individuals affected with RORA-related conditions and no experimental evidence demonstrating its impact on protein function have been reported. No submitters have cited clinical-significance assessments for this variant to ClinVar. Based on the evidence outlined above, the variant was classified as uncertain significance.

NM_134261.3(RORA):c.944A>G (p.Gln315Arg)

Genes: RORA (RAR related orphan receptor A; minus strand), RORA-AS1 (RORA antisense RNA 1; plus strand). Cytogenetic location: 15q22.2.
Variant type: single nucleotide variant.
Coding change: c.944A>G on transcript NM_134261.3 (MANE Select); coding-DNA position 944, A replaced by G.
Protein change: p.Gln315Arg; replaces glutamine 315 with arginine.
Molecular consequence: missense variant.
Genome position (GRCh38, 1-based): chr15:60,503,666, T>C on the plus strand (A>G on the coding strand, the complement: RORA is on the minus strand). VCF-style: chr15-60503666-T-C. GRCh37 (hg19) VCF-style: chr15-60795865-T-C.
Other names: c.1019A>G, p.Gln340Arg (NM_002943.4); c.1043A>G, p.Gln348Arg (NM_134260.3); c.779A>G, p.Gln260Arg (NM_134262.3); short protein forms Q260R, Q315R, Q340R, Q348R.
Identifiers: ClinVar variation 4847858 (VCV004847858.1).